The following is an entry in ClinVar:

NM_001243133.2(NLRP3):c.302A>G (p.Asn101Ser)

Gene: NLRP3 (NLR family pyrin domain containing 3; plus strand). Cytogenetic location: 1q44.
Variant type: single nucleotide variant.
Coding change: c.302A>G on transcript NM_001243133.2 (MANE Select); coding-DNA position 302, A replaced by G.
Protein change: p.Asn101Ser; replaces asparagine 101 with serine.
Molecular consequence: missense variant.
Genome position (GRCh38, 1-based): chr1:247,423,254, A>G. VCF-style: chr1-247423254-A-G. GRCh37 (hg19) VCF-style: chr1-247586556-A-G.
Other names: c.302A>G, p.Asn101Ser (NM_001079821.3, NM_001127461.3, NM_001127462.3 and 1 more transcripts); c.308A>G, p.Asn103Ser (NM_004895.5); short protein forms N103S, N101S.
Identifiers: ClinVar variation 2769154 (VCV002769154.4), dbSNP rs1572165297, ClinGen allele CA345554345.

ClinVar aggregate classification (germline): Uncertain significance. Review status: criteria provided, multiple submitters, no conflicts (2 of 4 stars). 2 submissions from 2 submitters: Uncertain significance (2). Last evaluated 2026-03-12.

Conditions:
Cryopyrin associated periodic syndrome (CAPS). Identifiers: Orphanet 208650, MedGen C2316212, MONDO:0016168.

Submissions (2):

GeneDx
Classification: Uncertain significance. Last evaluated: 2026-03-12. Review status: criteria provided, single submitter. Criteria: GeneDx Variant Classification Process June 2021. Collection method: clinical testing. Allele origin: germline.
Comment: Not observed at significant frequency in large population cohorts (gnomAD); In silico analysis suggests that this missense variant does not alter protein structure/function; Has not been previously published as pathogenic or benign to our knowledge

Labcorp Genetics (formerly Invitae), Labcorp
Classification: Uncertain significance for Cryopyrin associated periodic syndrome. Last evaluated: 2023-10-26. Review status: criteria provided, single submitter. Criteria: Invitae Variant Classification Sherloc (09022015). Collection method: clinical testing. Allele origin: germline.
Comment: This sequence change replaces asparagine, which is neutral and polar, with serine, which is neutral and polar, at codon 103 of the NLRP3 protein (p.Asn103Ser). This variant is not present in population databases (gnomAD no frequency). This variant has not been reported in the literature in individuals affected with NLRP3-related conditions. Advanced modeling of protein sequence and biophysical properties (such as structural, functional, and spatial information, amino acid conservation, physicochemical variation, residue mobility, and thermodynamic stability) has been performed at Invitae for this missense variant, however the output from this modeling did not meet the statistical confidence thresholds required to predict the impact of this variant on NLRP3 protein function. In summary, the available evidence is currently insufficient to determine the role of this variant in disease. Therefore, it has been classified as a Variant of Uncertain Significance.